The following is an entry in ClinVar:

NM_000465.4(BARD1):c.1846A>T (p.Ser616Cys)

Gene: BARD1 (BRCA1 associated RING domain 1; minus strand). Cytogenetic location: 2q35.
Variant type: single nucleotide variant.
Coding change: c.1846A>T on transcript NM_000465.4 (MANE Select); coding-DNA position 1846, A replaced by T.
Protein change: p.Ser616Cys; replaces serine 616 with cysteine.
Molecular consequence: missense variant. On other transcripts: non-coding transcript variant (3), intron variant (1).
Genome position (GRCh38, 1-based): chr2:214,745,124, T>A on the plus strand (A>T on the coding strand, the complement: BARD1 is on the minus strand). VCF-style: chr2-214745124-T-A. GRCh37 (hg19) VCF-style: chr2-215609848-T-A.
Other names: c.1789A>T, p.Ser597Cys (NM_001282543.2); c.493A>T, p.Ser165Cys (NM_001282545.2); c.436A>T, p.Ser146Cys (NM_001282548.2); c.365-14616A>T (NM_001282549.2); short protein forms S165C, S146C, S597C, S616C.
Identifiers: ClinVar variation 4196155 (VCV004196155.2).
Genomic context (GRCh38, chr2:214,745,124, plus strand): 5'-TACATTCAAATTTTAGAATCCAGCATCCATTGAGAATCCCAAGCATACACTTCAAGGTAC[T>A]TTGAACTGCATCACCAGGAACAACAACATGAGTTACTAAAATACAAAAAAAGCAGTAAGA-3'
Protein context (NP_000456.2, residues 606-626): HVVVPGDAVQ[Ser616Cys]TLKCMLGILN

ClinVar aggregate classification (germline): Uncertain significance. Review status: criteria provided, multiple submitters, no conflicts (2 of 4 stars). 2 submissions from 2 submitters: Uncertain significance (2). Last evaluated 2025-07-17.

Conditions:
Familial cancer of breast. Also called: BREAST CANCER, FAMILIAL; Hereditary breast cancer; hereditary breast carcinoma. Identifiers: Orphanet 227535, MedGen C0346153, MONDO:0016419, OMIM 114480. Disease mechanism: loss of function.
Hereditary cancer-predisposing syndrome. Also called: Neoplastic Syndromes, Hereditary; Tumor predisposition; Hereditary Cancer Syndrome; Hereditary neoplastic syndrome. Identifiers: Orphanet 140162, MedGen C0027672, MeSH D009386, MONDO:0015356.

Submissions (2):

Ambry Genetics
Classification: Uncertain significance for Hereditary cancer-predisposing syndrome. Last evaluated: 2025-07-17. Review status: criteria provided, single submitter. Criteria: Ambry Variant Classification Scheme 2023. Collection method: clinical testing. Allele origin: germline.
Comment: The p.S616C variant (also known as c.1846A>T), located in coding exon 9 of the BARD1 gene, results from an A to T substitution at nucleotide position 1846. The serine at codon 616 is replaced by cysteine, an amino acid with dissimilar properties. This amino acid position is conserved. In addition, this alteration is predicted to be tolerated by in silico analysis. Based on the available evidence, the clinical significance of this variant remains unclear.

Labcorp Genetics (formerly Invitae), Labcorp
Classification: Uncertain significance for Familial cancer of breast. Last evaluated: 2025-04-23. Review status: criteria provided, single submitter. Criteria: Invitae Variant Classification Sherloc (09022015). Collection method: clinical testing. Allele origin: germline.
Comment: This sequence change replaces serine, which is neutral and polar, with cysteine, which is neutral and slightly polar, at codon 616 of the BARD1 protein (p.Ser616Cys). This variant is not present in population databases (gnomAD no frequency). This variant has not been reported in the literature in individuals affected with BARD1-related conditions. An algorithm developed to predict the effect of missense changes on protein structure and function (PolyPhen-2) suggests that this variant is likely to be disruptive. In summary, the available evidence is currently insufficient to determine the role of this variant in disease. Therefore, it has been classified as a Variant of Uncertain Significance.